The following is an entry in ClinVar:

ClinVar aggregate classification (germline): Conflicting classifications of pathogenicity. Review status: criteria provided, conflicting classifications (1 of 4 stars). 2 submissions from 2 submitters: Uncertain significance (1); Benign (1). Last evaluated 2025-06-27.

Conditions:
CHARGE syndrome (CHARGE). Also called: Hittner Hirsch Kreh syndrome; Coloboma, heart anomaly, choanal atresia, retardation, genital and ear anomalies; CHARGE association; Hall-Hittner syndrome; CHARGE ASSOCIATION--COLOBOMA, HEART ANOMALY, CHOANAL ATRESIA, RETARDATION, GENITAL AND EAR ANOMALIES. Identifiers: Orphanet 138, MedGen C0265354, MONDO:0008965.

Allele frequency attached by ClinVar (database versions not stated): gnomAD exomes below 0.00001 and 0.00001; ExAC 0.00001.
gnomAD v4.1: 1 of 1,613,972 alleles (0.000062%); highest among the groups gnomAD compares: Middle Eastern, 0.016%; no homozygotes.

Submissions (2):

Labcorp Genetics (formerly Invitae), Labcorp
Classification: Benign for CHARGE syndrome. Last evaluated: 2025-06-27. Review status: criteria provided, single submitter. Criteria: Invitae Variant Classification Sherloc (09022015). Collection method: clinical testing. Allele origin: germline.

Genomic Diagnostic Laboratory, Division of Genomic Diagnostics, Children's Hospital of Philadelphia
Classification: Uncertain significance for CHARGE syndrome. Last evaluated: 2016-09-05. Review status: criteria provided, single submitter. Criteria: DGD Variant Analysis Guidelines. Collection method: clinical testing. Allele origin: germline. Observed: 2 variant alleles.
Comment: Clinical Testing

NM_017780.4(CHD7):c.986A>G (p.Asn329Ser)

Gene: CHD7 (chromodomain helicase DNA binding protein 7; plus strand). Cytogenetic location: 8q12.2.
Variant type: single nucleotide variant.
Coding change: c.986A>G on transcript NM_017780.4 (MANE Select); coding-DNA position 986, A replaced by G.
Protein change: p.Asn329Ser; replaces asparagine 329 with serine.
Molecular consequence: missense variant.
Genome position (GRCh38, 1-based): chr8:60,742,418, A>G. VCF-style: chr8-60742418-A-G. GRCh37 (hg19) VCF-style: chr8-61654977-A-G.
Other names: c.986A>G (LRG_176t1); c.986A>G, p.Asn329Ser (NM_001316690.1); short protein forms N329S.
Identifiers: ClinVar variation 267415 (VCV000267415.9), dbSNP rs777040556, ClinGen allele CA4759411.